The following is an entry in ClinVar:

NM_198253.3(TERT):c.2377G>A (p.Glu793Lys)

Gene: TERT (telomerase reverse transcriptase; minus strand). Cytogenetic location: 5p15.33.
Variant type: single nucleotide variant.
Coding change: c.2377G>A on transcript NM_198253.3 (MANE Select); coding-DNA position 2377, G replaced by A.
Protein change: p.Glu793Lys; replaces glutamic acid 793 with lysine.
Molecular consequence: missense variant.
Genome position (GRCh38, 1-based): chr5:1,272,190, C>T on the plus strand (G>A on the coding strand, the complement: TERT is on the minus strand). VCF-style: chr5-1272190-C-T. GRCh37 (hg19) VCF-style: chr5-1272305-C-T.
Other names: p.Glu793Lys; c.2377G>A, p.Glu793Lys (NM_001193376.3); short protein forms E793K.
Identifiers: ClinVar variation 1058722 (VCV001058722.36), dbSNP rs1043358053, ClinGen allele CA112944649.

ClinVar aggregate classification (germline): Uncertain significance. Review status: criteria provided, multiple submitters, no conflicts (2 of 4 stars). 6 submissions from 6 submitters: Uncertain significance (5). 1 of the submissions does not count toward it. Last evaluated 2023-07-11.

Conditions:
Pulmonary fibrosis. Identifiers: MedGen C0034069, MONDO:0002771, HP:0002206.
Dyskeratosis congenita, autosomal dominant 2. Identifiers: MedGen C3151443, MONDO:0013521, OMIM 613989.
Idiopathic Pulmonary Fibrosis. Also called: Idiopathic fibrosing alveolitis, chronic form; idiopathic fibrosing alveolitis. Identifiers: Orphanet 2032, MedGen C1800706, MeSH D054990, MONDO:0800504.
TERT-related disorder. Also called: TERT-related disorders; TERT-related condition.
Dyskeratosis congenita. Identifiers: Orphanet 1775, MedGen C0265965, MONDO:0015780.

Allele frequency attached by ClinVar (database versions not stated): gnomAD 0.00001; gnomAD exomes 0.00001; TOPMed 0.00001.
gnomAD v4.1: 8 of 1,610,630 alleles (0.0005%); highest among the groups gnomAD compares: South Asian, 0.0011%; no homozygotes.

Submissions (6):

PreventionGenetics, part of Exact Sciences
Classification: Uncertain significance for TERT-related condition. Last evaluated: 2023-07-11. Review status: criteria provided, single submitter. Criteria: ACMG Guidelines, 2015. Collection method: clinical testing. Allele origin: germline.
Comment: The TERT c.2377G>A variant is predicted to result in the amino acid substitution p.Glu793Lys. To our knowledge, this variant has not been reported in the literature or in a large population database, indicating this variant is rare. This variant has been interpreted as uncertain in ClinVar. At this time, the clinical significance of this variant is uncertain due to the absence of conclusive functional and genetic evidence.

Labcorp Genetics (formerly Invitae), Labcorp
Classification: Uncertain significance for Dyskeratosis congenita, autosomal dominant 2; Idiopathic Pulmonary Fibrosis. Last evaluated: 2022-06-10. Review status: criteria provided, single submitter. Criteria: Invitae Variant Classification Sherloc (09022015). Collection method: clinical testing. Allele origin: germline.
Comment: This sequence change replaces glutamic acid, which is acidic and polar, with lysine, which is basic and polar, at codon 793 of the TERT protein (p.Glu793Lys). This variant is not present in population databases (gnomAD no frequency). This variant has not been reported in the literature in individuals affected with TERT-related conditions. ClinVar contains an entry for this variant (Variation ID: 1058722). Advanced modeling of protein sequence and biophysical properties (such as structural, functional, and spatial information, amino acid conservation, physicochemical variation, residue mobility, and thermodynamic stability) performed at Invitae indicates that this missense variant is expected to disrupt TERT protein function. In summary, the available evidence is currently insufficient to determine the role of this variant in disease. Therefore, it has been classified as a Variant of Uncertain Significance.

GeneDx
Classification: Uncertain significance. Last evaluated: 2022-04-21. Review status: criteria provided, single submitter. Criteria: GeneDx Variant Classification Process June 2021. Collection method: clinical testing. Allele origin: germline. Affected: yes.
Comment: Not observed at significant frequency in large population cohorts (gnomAD); In silico analysis supports that this missense variant has a deleterious effect on protein structure/function; Has not been previously published as pathogenic or benign to our knowledge

Blueprint Genetics
Classification: Uncertain significance. Last evaluated: 2017-11-27. Review status: criteria provided, single submitter. Criteria: ACMG Guidelines, 2015. Collection method: clinical testing. Allele origin: germline.

Ambry Genetics
Classification: Uncertain significance for Dyskeratosis congenita. Last evaluated: 2014-11-06. Review status: criteria provided, single submitter. Criteria: Ambry Variant Classification Scheme 2023. Collection method: clinical testing. Allele origin: germline.
Comment: The p.E793K variant (also known as c.2377G>A), located in coding exon 7 of the TERT gene, results from a G to A substitution at nucleotide position 2377. The glutamic acid at codon 793 is replaced by lysine, an amino acid with some similar properties. This variant was not reported in population based cohorts in the following databases: Database of Single Nucleotide Polymorphisms (dbSNP), NHLBI Exome Sequencing Project (ESP), and 1000 Genomes Project. In the ESP, this variant was not observed in 6245 samples (12490 alleles) with coverage at this position. This amino acid position is well conserved on limited sequence alignment. In addition, this alteration is predicted to be deleterious by in silico analysis. Since supporting evidence is limited at this time, the clinical significance of this variant remains unclear.

Garcia Pulmonary Genetics Research Laboratory, Columbia University Irving Medical Center
Classification: Likely risk allele for Pulmonary fibrosis. Last evaluated: 2022-06-09. Review status: no assertion criteria provided. Collection method: research. Allele origin: germline. Affected: yes. Not counted in ClinVar's aggregate classification.
Comment: Leukocyte telomere length (by qPCR) less than 10th percentile age-adjusted